The following is an entry in ClinVar:

ClinVar aggregate classification (germline): Likely pathogenic (1 of 4 stars; one submission).

Submission:

Labcorp Genetics (formerly Invitae), Labcorp
Classification: Likely pathogenic. Last evaluated: 2022-04-04. Review status: criteria provided, single submitter. Criteria: Invitae Variant Classification Sherloc (09022015). Collection method: clinical testing. Allele origin: germline.
Comment: In summary, the currently available evidence indicates that the variant is pathogenic, but additional data are needed to prove that conclusively. Therefore, this variant has been classified as Likely Pathogenic. Algorithms developed to predict the effect of sequence changes on RNA splicing suggest that this variant may disrupt the consensus splice site. This variant has not been reported in the literature in individuals affected with PTPRO-related conditions. This variant is not present in population databases (gnomAD no frequency). This sequence change affects an acceptor splice site in intron 13 of the PTPRO gene. It is expected to disrupt RNA splicing. Variants that disrupt the donor or acceptor splice site typically lead to a loss of protein function (PMID: 16199547), and loss-of-function variants in PTPRO are known to be pathogenic (PMID: 21722858).

Literature cited by the submitters: PubMed 16199547; PubMed 21722858.

NM_030667.3(PTPRO):c.2305-1G>C

Gene: PTPRO (protein tyrosine phosphatase receptor type O; plus strand). Cytogenetic location: 12p12.3.
Variant type: single nucleotide variant.
Coding change: c.2305-1G>C on transcript NM_030667.3 (MANE Select); the canonical splice acceptor site of the intron before coding-DNA position 2305, G replaced by C.
Molecular consequence: splice acceptor variant.
Genome position (GRCh38, 1-based): chr12:15,549,093, G>C. VCF-style: chr12-15549093-G-C. GRCh37 (hg19) VCF-style: chr12-15702027-G-C.
Other names: c.2305-1G>C (NM_002848.4); c.-129-1G>C (NM_030671.3, NM_030669.3, NM_030670.3 and 1 more transcripts).
Identifiers: ClinVar variation 2116990 (VCV002116990.4), dbSNP rs1943381499, ClinGen allele CA384037649.
Genomic context (GRCh38, chr12:15,549,093, plus strand): 5'-ATATTTTTAAAAAATATAGATGAAGTTAACCTAAAATTTACCTTATTTTCTGAAACCCCA[G>C]GAACCAGTTGCTGTTTCTTCCCATGTCGTGACCATCTCCAGCCTTCTTCCTGCCACTGCC-3'